The following is an entry in ClinVar:

ClinVar aggregate classification (germline): Uncertain significance. Review status: criteria provided, multiple submitters, no conflicts (2 of 4 stars). 2 submissions from 2 submitters: Uncertain significance (2). Last evaluated 2025-02-06.

Conditions:
Aortic aneurysm, familial thoracic 7 (AAT7). Also called: AORTIC DISSECTION, FAMILIAL, WITH OR WITHOUT AORTIC ANEURYSM. Identifiers: MedGen C3151077, MONDO:0013418, OMIM 613780.
Familial thoracic aortic aneurysm and aortic dissection (TAAD). Also called: Thoracic aortic aneurysms and dissections. Identifiers: Orphanet 91387, MedGen C4707243, MONDO:0019625.

Allele frequency attached by ClinVar (database versions not stated): gnomAD exomes 0.00001; gnomAD 0.00003; TOPMed 0.00003.
gnomAD v4.1: 11 of 1,613,436 alleles (0.00068%); highest among the groups gnomAD compares: African/African-American, 0.0067%; no homozygotes.

Submissions (2):

Labcorp Genetics (formerly Invitae), Labcorp
Classification: Uncertain significance for Aortic aneurysm, familial thoracic 7. Last evaluated: 2025-02-06. Review status: criteria provided, single submitter. Criteria: Invitae Variant Classification Sherloc (09022015). Collection method: clinical testing. Allele origin: germline.
Comment: This sequence change replaces glutamic acid, which is acidic and polar, with lysine, which is basic and polar, at codon 867 of the MYLK protein (p.Glu867Lys). This variant is present in population databases (no rsID available, gnomAD 0.02%). This variant has not been reported in the literature in individuals affected with MYLK-related conditions. ClinVar contains an entry for this variant (Variation ID: 569549). Invitae Evidence Modeling of protein sequence and biophysical properties (such as structural, functional, and spatial information, amino acid conservation, physicochemical variation, residue mobility, and thermodynamic stability) indicates that this missense variant is not expected to disrupt MYLK protein function with a negative predictive value of 80%. In summary, the available evidence is currently insufficient to determine the role of this variant in disease. Therefore, it has been classified as a Variant of Uncertain Significance.

Ambry Genetics
Classification: Uncertain significance for Familial thoracic aortic aneurysm and aortic dissection. Last evaluated: 2023-02-15. Review status: criteria provided, single submitter. Criteria: Ambry Variant Classification Scheme 2023. Collection method: clinical testing. Allele origin: germline.

NM_053025.4(MYLK):c.2599G>A (p.Glu867Lys)

Gene: MYLK (myosin light chain kinase; minus strand). Cytogenetic location: 3q21.1.
Variant type: single nucleotide variant.
Coding change: c.2599G>A on transcript NM_053025.4 (MANE Select); coding-DNA position 2599, G replaced by A.
Protein change: p.Glu867Lys; replaces glutamic acid 867 with lysine.
Molecular consequence: missense variant.
Genome position (GRCh38, 1-based): chr3:123,700,869, C>T on the plus strand (G>A on the coding strand, the complement: MYLK is on the minus strand). VCF-style: chr3-123700869-C-T. GRCh37 (hg19) VCF-style: chr3-123419716-C-T.
Other names: c.2071G>A, p.Glu691Lys (NM_001321309.2); c.2392G>A, p.Glu798Lys (NM_053026.4, NM_053028.4); c.2599G>A, p.Glu867Lys (NM_053027.4); short protein forms E867K, E798K, E691K.
Identifiers: ClinVar variation 569549 (VCV000569549.8), dbSNP rs989370486, ClinGen allele CA82925497.